The following is an entry in ClinVar:

NM_003906.5(MCM3AP):c.5242_5268del (p.Cys1748_Trp1756del)

Genes: MCM3AP (minichromosome maintenance complex component 3 associated protein; minus strand), MCM3AP-AS1 (MCM3AP antisense RNA 1; plus strand). Cytogenetic location: 21q22.3.
Variant type: Deletion.
Coding change: c.5242_5268del on transcript NM_003906.5 (MANE Select); coding-DNA positions 5242 to 5268, 27 bases deleted (TGTATCAACCACAAGCTGAGAGACTGG).
Protein change: p.Cys1748_Trp1756del.
Molecular consequence: inframe deletion.
Genome position (GRCh38, 1-based): chr21:46,243,493-46,243,519, CCAGTCTCTCAGCTTGTGGTTGATACA deleted on the plus strand (TGTATCAACCACAAGCTGAGAGACTGG on the coding strand, the reverse complement: MCM3AP is on the minus strand); deleting any 27 consecutive bases within chr21:46,243,493-46,243,520 gives the same sequence; the c. name uses the placement nearest the transcript's 3' end. VCF-style (leftmost placement, unchanged base first): chr21-46243492-TCCAGTCTCTCAGCTTGTGGTTGATACA-T. GRCh37 (hg19) VCF-style: chr21-47663406-TCCAGTCTCTCAGCTTGTGGTTGATACA-T.
Identifiers: ClinVar variation 1414606 (VCV001414606.8), dbSNP rs2123821541, ClinGen allele CA2573157518.

ClinVar aggregate classification (germline): Uncertain significance (1 of 4 stars; one submission).

Submission:

Labcorp Genetics (formerly Invitae), Labcorp
Classification: Uncertain significance. Last evaluated: 2021-07-08. Review status: criteria provided, single submitter. Criteria: Invitae Variant Classification Sherloc (09022015). Collection method: clinical testing. Allele origin: germline.
Comment: This variant has not been reported in the literature in individuals affected with MCM3AP-related conditions. This variant, c.5242_5268del, results in the deletion of 9 amino acid(s) of the MCM3AP protein (p.Cys1748_Trp1756del), but otherwise preserves the integrity of the reading frame. This variant is not present in population databases (ExAC no frequency). Experimental studies and prediction algorithms are not available or were not evaluated, and the functional significance of this variant is currently unknown. In summary, the available evidence is currently insufficient to determine the role of this variant in disease. Therefore, it has been classified as a Variant of Uncertain Significance.